The following is an entry in ClinVar:

ClinVar aggregate classification (germline): Likely benign (1 of 4 stars; one submission).

Allele frequency attached by ClinVar (database versions not stated): ESP Exome Variant Server 0.00077; ExAC 0.00079; 1000 Genomes Project 0.00080; gnomAD 0.00084; 1000 Genomes Project 30x 0.00094; gnomAD exomes 0.00098; TOPMed 0.00099.
gnomAD v4.1: 1,533 of 1,601,590 alleles (0.096%); highest among the groups gnomAD compares: Non-Finnish European, 0.12%; 2 homozygotes.

Submission:

CeGaT Center for Human Genetics Tuebingen
Classification: Likely benign. Last evaluated: 2023-01-01. Review status: criteria provided, single submitter. Criteria: CeGaT Center For Human Genetics Tuebingen Variant Classification Criteria Version 2. Collection method: clinical testing. Allele origin: germline. Affected: yes. Observed: 1 variant allele.
Comment: NAB2: BP4, BP7

NM_005967.4(NAB2):c.204C>T (p.Asp68=)

Gene: NAB2 (NGFI-A binding protein 2; plus strand). Cytogenetic location: 12q13.3.
Variant type: single nucleotide variant.
Coding change: c.204C>T on transcript NM_005967.4 (MANE Select); coding-DNA position 204, C replaced by T.
Protein change: p.Asp68=; no amino-acid change (aspartic acid 68 retained).
Molecular consequence: synonymous variant.
Genome position (GRCh38, 1-based): chr12:57,091,245, C>T. VCF-style: chr12-57091245-C-T. GRCh37 (hg19) VCF-style: chr12-57485028-C-T.
Other names: c.204C>T, p.Asp68= (NM_001330305.2).
Identifiers: ClinVar variation 2643108 (VCV002643108.24), dbSNP rs151285788, ClinGen allele CA6641033.